The following is an entry in ClinVar:

NM_001370100.5(ZMYND11):c.377G>A (p.Cys126Tyr)

Gene: ZMYND11 (zinc finger MYND-type containing 11; plus strand). Cytogenetic location: 10p15.3.
Variant type: single nucleotide variant.
Coding change: c.377G>A on transcript NM_001370100.5 (MANE Select); coding-DNA position 377, G replaced by A.
Protein change: p.Cys126Tyr; replaces cysteine 126 with tyrosine.
Molecular consequence: missense variant. On other transcripts: non-coding transcript variant (1), intron variant (18).
Genome position (GRCh38, 1-based): chr10:221,295, G>A. VCF-style: chr10-221295-G-A. GRCh37 (hg19) VCF-style: chr10-267235-G-A.
Other names: c.377G>A, p.Cys126Tyr (NM_001202468.1, NM_001370097.3, NM_001370098.2 and 10 more transcripts); c.326G>A, p.Cys109Tyr (NM_001330057.3, NM_001370112.2); c.311G>A, p.Cys104Tyr (NM_001370116.2); c.257G>A, p.Cys86Tyr (NM_001370118.2); c.276+11247G>A (NM_001370103.2, NM_001370104.2, NM_001370105.2 and 11 more transcripts); c.210+11247G>A (NM_001370120.2); c.-33-15543G>A (NM_001370124.3); c.225+11247G>A (NM_001370123.2); and 1 more; short protein forms C86Y, C109Y, C126Y, C104Y.
Identifiers: ClinVar variation 4745118 (VCV004745118.1).

ClinVar aggregate classification (germline): Uncertain significance (1 of 4 stars; one submission).

Submission:

Labcorp Genetics (formerly Invitae), Labcorp
Classification: Uncertain significance. Last evaluated: 2025-10-09. Review status: criteria provided, single submitter. Criteria: Invitae Variant Classification Sherloc (09022015). Collection method: clinical testing. Allele origin: germline.
Comment: This sequence change replaces cysteine, which is neutral and slightly polar, with tyrosine, which is neutral and polar, at codon 126 of the ZMYND11 protein (p.Cys126Tyr). This variant is not present in population databases (gnomAD no frequency). This variant has not been reported in the literature in individuals affected with ZMYND11-related conditions. Invitae Evidence Modeling of protein sequence and biophysical properties (such as structural, functional, and spatial information, amino acid conservation, physicochemical variation, residue mobility, and thermodynamic stability) indicates that this missense variant is expected to disrupt ZMYND11 protein function with a positive predictive value of 80%. In summary, the available evidence is currently insufficient to determine the role of this variant in disease. Therefore, it has been classified as a Variant of Uncertain Significance.